The following is an entry in ClinVar:

ClinVar aggregate classification (germline): Uncertain significance. Review status: criteria provided, single submitter (1 of 4 stars). 2 submissions from 2 submitters: Uncertain significance (1). 1 of the submissions does not count toward it. Last evaluated 2024-02-12.

Conditions:
Nemaline myopathy 2 (NEM2). Also called: Nemaline myopathy 2, autosomal recessive. Identifiers: MedGen C1850569, MONDO:0009725, OMIM 256030.

Allele frequency attached by ClinVar (database versions not stated): gnomAD exomes below 0.00001.
gnomAD v4.1: 5 of 1,613,898 alleles (0.00031%); highest among the groups gnomAD compares: South Asian, 0.0044%; no homozygotes.

Submissions (2):

Labcorp Genetics (formerly Invitae), Labcorp
Classification: Uncertain significance for Nemaline myopathy 2. Last evaluated: 2024-02-12. Review status: criteria provided, single submitter. Criteria: Invitae Variant Classification Sherloc (09022015). Collection method: clinical testing. Allele origin: germline.
Comment: This sequence change replaces histidine, which is basic and polar, with arginine, which is basic and polar, at codon 1655 of the NEB protein (p.His1655Arg). This variant is not present in population databases (gnomAD no frequency). This variant has not been reported in the literature in individuals affected with NEB-related conditions. ClinVar contains an entry for this variant (Variation ID: 998461). Experimental studies and prediction algorithms are not available or were not evaluated, and the functional significance of this variant is currently unknown. In summary, the available evidence is currently insufficient to determine the role of this variant in disease. Therefore, it has been classified as a Variant of Uncertain Significance.

Natera, Inc.
Classification: Uncertain significance for Nemaline myopathy type 2. Last evaluated: 2020-09-21. Review status: no assertion criteria provided. Collection method: clinical testing. Allele origin: germline. Not counted in ClinVar's aggregate classification.

NM_001164508.2(NEB):c.4964A>G (p.His1655Arg)

Gene: NEB (nebulin; minus strand). Cytogenetic location: 2q23.3.
Variant type: single nucleotide variant.
Coding change: c.4964A>G on transcript NM_001164508.2 (MANE Select); coding-DNA position 4964, A replaced by G.
Protein change: p.His1655Arg; replaces histidine 1655 with arginine.
Molecular consequence: missense variant.
Genome position (GRCh38, 1-based): chr2:151,666,157, T>C on the plus strand (A>G on the coding strand, the complement: NEB is on the minus strand). VCF-style: chr2-151666157-T-C. GRCh37 (hg19) VCF-style: chr2-152522671-T-C.
Other names: c.4964A>G, p.His1655Arg (NM_001164507.2, NM_001271208.2, NM_004543.5); short protein forms H1655R.
Identifiers: ClinVar variation 998461 (VCV000998461.13), dbSNP rs2099214775, ClinGen allele CA348813158.
Genomic context (GRCh38, chr2:151,666,157, plus strand): 5'-TGAATCTGCATGGCATTCCTGGAGTGCTCCACATTCAAGGCATCGGGCAGGAGAGTGTAG[T>C]GGTGGTATGACTGTCTGTAGTTGGCGTTGGTGGCAACCTCCTGAGATTTCTTTGCAGCTG-3'
Protein context (NP_001157980.2, residues 1645-1665): TNANYRQSYH[His1655Arg]YTLLPDALNV